The following is an entry in ClinVar:

ClinVar aggregate classification (germline): Uncertain significance. Review status: criteria provided, multiple submitters, no conflicts (2 of 4 stars). 7 submissions from 7 submitters: Uncertain significance (6). 1 of the submissions does not count toward it. Last evaluated 2025-10-26.

Conditions:
Hereditary cancer-predisposing syndrome. Also called: Hereditary neoplastic syndrome; Neoplastic Syndromes, Hereditary; Tumor predisposition; Hereditary Cancer Syndrome. Identifiers: Orphanet 140162, MedGen C0027672, MeSH D009386, MONDO:0015356.
Familial cancer of breast. Also called: Hereditary breast cancer; hereditary breast carcinoma; BREAST CANCER, FAMILIAL. Identifiers: Orphanet 227535, MedGen C0346153, MONDO:0016419, OMIM 114480. Disease mechanism: loss of function.
Ataxia-telangiectasia syndrome (AT). Also called: Ataxia telangiectasia (A-T); LOUIS-BAR SYNDROME; Cerebello-oculocutaneous telangiectasia; Immunodeficiency with ataxia telangiectasia; Ataxia-telangiectasia, complementation group D; AT, COMPLEMENTATION GROUP C. Identifiers: Orphanet 100, MedGen C0004135, MONDO:0008840, OMIM 208900.

gnomAD v4.1: 3 of 1,613,572 alleles (0.00019%); no homozygotes.

Submissions (7):

Labcorp Genetics (formerly Invitae), Labcorp
Classification: Uncertain significance for Ataxia-telangiectasia syndrome. Last evaluated: 2025-10-26. Review status: criteria provided, single submitter. Criteria: Invitae Variant Classification Sherloc (09022015). Collection method: clinical testing. Allele origin: germline.
Comment: This sequence change replaces phenylalanine, which is neutral and non-polar, with leucine, which is neutral and non-polar, at codon 1445 of the ATM protein (p.Phe1445Leu). This variant is not present in population databases (gnomAD no frequency). This variant has not been reported in the literature in individuals affected with ATM-related conditions. ClinVar contains an entry for this variant (Variation ID: 407692). Invitae Evidence Modeling of protein sequence and biophysical properties (such as structural, functional, and spatial information, amino acid conservation, physicochemical variation, residue mobility, and thermodynamic stability) indicates that this missense variant is not expected to disrupt ATM protein function with a negative predictive value of 95%. In summary, the available evidence is currently insufficient to determine the role of this variant in disease. Therefore, it has been classified as a Variant of Uncertain Significance.

Women's Health and Genetics/Laboratory Corporation of America, LabCorp
Classification: Uncertain significance. Last evaluated: 2025-06-27. Review status: criteria provided, single submitter. Criteria: LabCorp Variant Classification Summary - May 2015. Collection method: clinical testing. Allele origin: germline.
Comment: Variant summary: ATM c.4333T>C (p.Phe1445Leu) results in a non-conservative amino acid change in the encoded protein sequence. Algorithms developed to predict the effect of missense changes on protein structure and function all suggest that this variant is likely to be disruptive. The variant was absent in 250946 control chromosomes. The available data on variant occurrences in the general population are insufficient to allow any conclusion about variant significance. To our knowledge, no occurrence of c.4333T>C in individuals affected with Breast Cancer and no experimental evidence demonstrating its impact on protein function have been reported. ClinVar contains an entry for this variant (Variation ID: 407692). Based on the evidence outlined above, the variant was classified as uncertain significance.

Ambry Genetics
Classification: Uncertain significance for Hereditary cancer-predisposing syndrome. Last evaluated: 2024-12-13. Review status: criteria provided, single submitter. Criteria: Ambry Variant Classification Scheme 2023. Collection method: clinical testing. Allele origin: germline.
Comment: The p.F1445L variant (also known as c.4333T>C), located in coding exon 28 of the ATM gene, results from a T to C substitution at nucleotide position 4333. The phenylalanine at codon 1445 is replaced by leucine, an amino acid with highly similar properties. This amino acid position is highly conserved in available vertebrate species. In addition, this alteration is predicted to be deleterious by in silico analysis. Based on the available evidence, the clinical significance of this variant remains unclear.

Color Diagnostics, LLC DBA Color Health
Classification: Uncertain significance for Hereditary cancer-predisposing syndrome. Last evaluated: 2024-03-06. Review status: criteria provided, single submitter. Criteria: ACMG Guidelines, 2015. Collection method: clinical testing. Allele origin: germline.
Comment: This missense variant replaces phenylalanine with leucine at codon 1445 of the ATM protein. Computational prediction suggests that this variant may have deleterious impact on protein structure and function (internally defined REVEL score threshold >= 0.7, PMID: 27666373). To our knowledge, functional studies have not been reported for this variant. This variant has not been reported in individuals affected with hereditary cancer in the literature. This variant has not been identified in the general population by the Genome Aggregation Database (gnomAD). The available evidence is insufficient to determine the role of this variant in disease conclusively. Therefore, this variant is classified as a Variant of Uncertain Significance.

Department of Pathology and Laboratory Medicine, Sinai Health System
Classification: Uncertain significance for Familial cancer of breast. Last evaluated: 2023-03-08. Review status: criteria provided, single submitter. Criteria: ACMG Guidelines, 2015. Collection method: clinical testing. Allele origin: germline. Affected: yes.

GeneDx
Classification: Uncertain significance. Last evaluated: 2022-11-09. Review status: criteria provided, single submitter. Criteria: GeneDx Variant Classification Process June 2021. Collection method: clinical testing. Allele origin: germline. Affected: yes.
Comment: Not observed at significant frequency in large population cohorts (gnomAD); In silico analysis supports that this missense variant has a deleterious effect on protein structure/function; Has not been previously published as pathogenic or benign to our knowledge

Natera, Inc.
Classification: Uncertain significance for Ataxia-telangiectasia. Last evaluated: 2020-09-16. Review status: no assertion criteria provided. Collection method: clinical testing. Allele origin: germline. Not counted in ClinVar's aggregate classification.

NM_000051.4(ATM):c.4333T>C (p.Phe1445Leu)

Gene: ATM (ATM serine/threonine kinase; plus strand). Cytogenetic location: 11q22.3.
Variant type: single nucleotide variant.
Coding change: c.4333T>C on transcript NM_000051.4 (MANE Select); coding-DNA position 4333, T replaced by C.
Protein change: p.Phe1445Leu; replaces phenylalanine 1445 with leucine.
Molecular consequence: missense variant.
Genome position (GRCh38, 1-based): chr11:108,289,698, T>C. VCF-style: chr11-108289698-T-C. GRCh37 (hg19) VCF-style: chr11-108160425-T-C.
Other names: c.4333T>C, p.Phe1445Leu (NM_001351834.2); c.4333T>C (NM_000051.2); short protein forms F1445L.
Identifiers: ClinVar variation 407692 (VCV000407692.26), dbSNP rs1060501683, ClinGen allele CA16613352.